The following is an entry in ClinVar:

ClinVar aggregate classification (germline): Uncertain significance (1 of 4 stars; one submission).

Allele frequency attached by ClinVar (database versions not stated): gnomAD exomes below 0.00001.
gnomAD v4.1: 2 of 1,587,278 alleles (0.00013%); highest among the groups gnomAD compares: Non-Finnish European, 0.00017%; no homozygotes.

Submission:

Labcorp Genetics (formerly Invitae), Labcorp
Classification: Uncertain significance. Last evaluated: 2024-10-23. Review status: criteria provided, single submitter. Criteria: Invitae Variant Classification Sherloc (09022015). Collection method: clinical testing. Allele origin: germline.
Comment: This sequence change affects a donor splice site in intron 20 of the NEDD4L gene. It is expected to disrupt RNA splicing. Variants that disrupt the donor or acceptor splice site typically lead to a loss of protein function (PMID: 16199547), however the current clinical and genetic evidence is not sufficient to establish whether loss-of-function variants in NEDD4L cause disease. This variant is not present in population databases (gnomAD no frequency). This variant has not been reported in the literature in individuals affected with NEDD4L-related conditions. ClinVar contains an entry for this variant (Variation ID: 2066089). Algorithms developed to predict the effect of sequence changes on RNA splicing suggest that this variant may disrupt the consensus splice site. In summary, the available evidence is currently insufficient to determine the role of this variant in disease. Therefore, it has been classified as a Variant of Uncertain Significance.

Literature cited by the submitters: PubMed 16199547.

NM_001144967.3(NEDD4L):c.2063+1G>A

Gene: NEDD4L (NEDD4 like E3 ubiquitin protein ligase; plus strand). Cytogenetic location: 18q21.31.
Variant type: single nucleotide variant.
Coding change: c.2063+1G>A on transcript NM_001144967.3 (MANE Select); the canonical splice donor site of the intron after coding-DNA position 2063, G replaced by A.
Molecular consequence: splice donor variant.
Genome position (GRCh38, 1-based): chr18:58,366,229, G>A. VCF-style: chr18-58366229-G-A. GRCh37 (hg19) VCF-style: chr18-56033461-G-A.
Other names: c.2003+1G>A (NM_015277.6); c.1871+1G>A (NM_001243960.2); c.1700+1G>A (NM_001144964.1, NM_001144965.2, NM_001144966.3); c.1640+1G>A (NM_001144971.2, NM_001144970.3); c.2039+1G>A (NM_001144968.2); c.1979+1G>A (NM_001144969.2).
Identifiers: ClinVar variation 2066089 (VCV002066089.4), dbSNP rs2517672982, ClinGen allele CA402548616.
Genomic context (GRCh38, chr18:58,366,229, plus strand): 5'-CTTCTTACTGTCCAAAGAGATGTTCAACCCCTACTACGGCCTCTTTGAGTACTCTGCCAC[G>A]TAAGTATATGGCCACACCCAGTGTGTGTCCCCCACTGAGACAGTTGTATGAATTTAAACA-3'